The following is an entry in ClinVar:

ClinVar aggregate classification (germline): Uncertain significance. Review status: criteria provided, multiple submitters, no conflicts (2 of 4 stars). 3 submissions from 3 submitters: Uncertain significance (3). Last evaluated 2025-03-25.

gnomAD v4.1: 11 of 1,551,822 alleles (0.00071%); highest among the groups gnomAD compares: African/African-American, 0.0055%; no homozygotes.

Submissions (3):

Labcorp Genetics (formerly Invitae), Labcorp
Classification: Uncertain significance. Last evaluated: 2025-03-25. Review status: criteria provided, single submitter. Criteria: Invitae Variant Classification Sherloc (09022015). Collection method: clinical testing. Allele origin: germline.
Comment: This sequence change replaces glutamic acid, which is acidic and polar, with lysine, which is basic and polar, at codon 953 of the FAM65B protein (p.Glu953Lys). This variant is present in population databases (rs574003380, gnomAD 0.02%). This variant has not been reported in the literature in individuals affected with FAM65B-related conditions. ClinVar contains an entry for this variant (Variation ID: 3342787). An algorithm developed to predict the effect of missense changes on protein structure and function (PolyPhen-2) suggests that this variant is likely to be tolerated. In summary, the available evidence is currently insufficient to determine the role of this variant in disease. Therefore, it has been classified as a Variant of Uncertain Significance.

Ambry Genetics
Classification: Uncertain significance. Last evaluated: 2025-02-08. Review status: criteria provided, single submitter. Criteria: Ambry Variant Classification Scheme 2023. Collection method: clinical testing. Allele origin: germline.

GeneDx
Classification: Uncertain significance. Last evaluated: 2023-01-11. Review status: criteria provided, single submitter. Criteria: GeneDx Variant Classification Process June 2021. Collection method: clinical testing. Allele origin: germline. Affected: yes.
Comment: In silico analysis supports that this missense variant does not alter protein structure/function; Has not been previously published as pathogenic or benign to our knowledge; Variants in candidate genes are classified as variants of uncertain significance in accordance with ACMG guidelines (Richards et al., 2015)

NM_001286445.3(RIPOR2):c.2794G>A (p.Glu932Lys)

Gene: RIPOR2 (RHO family interacting cell polarization regulator 2; minus strand). Cytogenetic location: 6p22.3.
Variant type: single nucleotide variant.
Coding change: c.2794G>A on transcript NM_001286445.3 (MANE Select); coding-DNA position 2794, G replaced by A.
Protein change: p.Glu932Lys; replaces glutamic acid 932 with lysine.
Molecular consequence: missense variant.
Genome position (GRCh38, 1-based): chr6:24,825,300, C>T on the plus strand (G>A on the coding strand, the complement: RIPOR2 is on the minus strand). VCF-style: chr6-24825300-C-T. GRCh37 (hg19) VCF-style: chr6-24825528-C-T.
Other names: c.2707G>A, p.Glu903Lys (NM_001346031.2, NM_001346032.2); c.2857G>A, p.Glu953Lys (NM_014722.5); c.2857G>A (NM_014722.2); short protein forms E903K, E932K, E953K.
Identifiers: ClinVar variation 3342787 (VCV003342787.3).
Genomic context (GRCh38, chr6:24,825,300, plus strand): 5'-GCTGATTTTTGGAGGCTGCTGCCAAGTAAAGCGTCACAGCCTCACTAACTTCGTTGTCCT[C>T]TCTGGTTAATAGCAGAGCCAGAGTCCTGAGTACTTCCTGCTGGGCCAGGAGGTTGCTGGG-3'
Protein context (NP_001273374.1, residues 922-942): LRTLALLLTR[Glu932Lys]DNEVSEAVTL